The following is an entry in ClinVar:

ClinVar aggregate classification (germline): Likely benign (0 of 4 stars; one submission).

Conditions:
DPP6-related disorder. Also called: DPP6-related condition.

Allele frequency attached by ClinVar (database versions not stated): gnomAD 0.00001; gnomAD exomes 0.00001; TOPMed 0.00001.
gnomAD v4.1: 7 of 1,609,292 alleles (0.00043%); highest among the groups gnomAD compares: Non-Finnish European, 0.00051%; no homozygotes.

Submission:

PreventionGenetics, part of Exact Sciences
Classification: Likely benign for DPP6-related condition. Last evaluated: 2019-07-11. Review status: no assertion criteria provided. Collection method: clinical testing. Allele origin: germline.
Comment: This variant is classified as likely benign based on ACMG/AMP sequence variant interpretation guidelines (Richards et al. 2015 PMID: 25741868, with internal and published modifications).

NM_130797.4(DPP6):c.1764C>T (p.Asp588=)

Gene: DPP6 (dipeptidyl peptidase like 6; plus strand). Cytogenetic location: 7q36.2.
Variant type: single nucleotide variant.
Coding change: c.1764C>T on transcript NM_130797.4 (MANE Select); coding-DNA position 1764, C replaced by T.
Protein change: p.Asp588=; no amino-acid change (aspartic acid 588 retained).
Molecular consequence: synonymous variant. On other transcripts: non-coding transcript variant (2).
Genome position (GRCh38, 1-based): chr7:154,868,044, C>T. VCF-style: chr7-154868044-C-T. GRCh37 (hg19) VCF-style: chr7-154659754-C-T.
Other names: c.1572C>T, p.Asp524= (NM_001039350.3); c.1443C>T, p.Asp481= (NM_001290252.2); c.1581C>T, p.Asp527= (NM_001364497.2, NM_001364498.2, NM_001364499.2 and 1 more transcripts); c.1578C>T, p.Asp526= (NM_001936.5).
Identifiers: ClinVar variation 3050429 (VCV003050429.2), dbSNP rs1468311870, ClinGen allele CA458713388.